The following is an entry in ClinVar:

NM_001036.6(RYR3):c.4750G>A (p.Val1584Met)

Gene: RYR3 (ryanodine receptor 3; plus strand). Cytogenetic location: 15q14.
Variant type: single nucleotide variant.
Coding change: c.4750G>A on transcript NM_001036.6 (MANE Select); coding-DNA position 4750, G replaced by A.
Protein change: p.Val1584Met; replaces valine 1584 with methionine.
Molecular consequence: missense variant.
Genome position (GRCh38, 1-based): chr15:33,662,280, G>A. VCF-style: chr15-33662280-G-A. GRCh37 (hg19) VCF-style: chr15-33954481-G-A.
Other names: c.4750G>A, p.Val1584Met (NM_001243996.4); short protein forms V1584M.
Identifiers: ClinVar variation 857647 (VCV000857647.9), dbSNP rs372149967, ClinGen allele CA7459107.

ClinVar aggregate classification (germline): Uncertain significance (1 of 4 stars; one submission).

Conditions:
Epileptic encephalopathy. Identifiers: MedGen C0543888, HP:0200134.

Allele frequency attached by ClinVar (database versions not stated): TOPMed 0.00001; gnomAD exomes 0.00002; ExAC 0.00001; gnomAD 0.00003; ESP Exome Variant Server 0.00016.
gnomAD v4.1: 28 of 1,610,782 alleles (0.0017%); highest among the groups gnomAD compares: Admixed American, 0.0034%; no homozygotes.

Submission:

Labcorp Genetics (formerly Invitae), Labcorp
Classification: Uncertain significance for Epileptic encephalopathy. Last evaluated: 2022-02-04. Review status: criteria provided, single submitter. Criteria: Invitae Variant Classification Sherloc (09022015). Collection method: clinical testing. Allele origin: germline.
Comment: This variant has not been reported in the literature in individuals affected with RYR3-related conditions. The frequency data for this variant in the population databases is considered unreliable, as metrics indicate poor data quality at this position in the gnomAD database. This sequence change replaces valine, which is neutral and non-polar, with methionine, which is neutral and non-polar, at codon 1584 of the RYR3 protein (p.Val1584Met). ClinVar contains an entry for this variant (Variation ID: 857647). In summary, the available evidence is currently insufficient to determine the role of this variant in disease. Therefore, it has been classified as a Variant of Uncertain Significance. Algorithms developed to predict the effect of missense changes on protein structure and function are either unavailable or do not agree on the potential impact of this missense change (SIFT: "Deleterious"; PolyPhen-2: "Benign"; Align-GVGD: "Class C0").